The following is an entry in ClinVar:

ClinVar aggregate classification (germline): Uncertain significance (1 of 4 stars; one submission).

Conditions:
COG5-congenital disorder of glycosylation. Also called: CONGENITAL DISORDER OF GLYCOSYLATION, TYPE IIi; CDG IIi; COG5-CDG. Identifiers: Orphanet 263487, MedGen C3150876, MONDO:0013325, OMIM 613612.

Submission:

Baylor Genetics
Classification: Uncertain significance for COG5-congenital disorder of glycosylation. Last evaluated: 2018-02-02. Review status: criteria provided, single submitter. Criteria: ACMG Guidelines, 2015. Collection method: clinical testing. Allele origin: unknown. Affected: yes.
Comment: This variant was determined to be of uncertain significance according to ACMG Guidelines, 2015 [PMID:25741868].

NM_006348.5(COG5):c.616C>T (p.Leu206Phe)

Gene: COG5 (component of oligomeric golgi complex 5; minus strand). Cytogenetic location: 7q22.3.
Variant type: single nucleotide variant.
Coding change: c.616C>T on transcript NM_006348.5 (MANE Select); coding-DNA position 616, C replaced by T.
Protein change: p.Leu206Phe; replaces leucine 206 with phenylalanine.
Molecular consequence: missense variant. On other transcripts: intron variant (2).
Genome position (GRCh38, 1-based): chr7:107,412,555, G>A on the plus strand (C>T on the coding strand, the complement: COG5 is on the minus strand). VCF-style: chr7-107412555-G-A. GRCh37 (hg19) VCF-style: chr7-107053000-G-A.
Other names: c.616C>T, p.Leu206Phe (NM_001161520.2, NM_001379511.1, NM_001379512.1 and 3 more transcripts); c.235-50445C>T (NM_001379516.1); c.539-114209C>T (NM_001379515.1); short protein forms L206F.
Identifiers: ClinVar variation 1032436 (VCV001032436.1), dbSNP rs1792382468, ClinGen allele CA368938886.
Genomic context (GRCh38, chr7:107,412,555, plus strand): 5'-TTATTACCTGAGTCTCCAAACCCTGCTCTAGTAGGCGCTTAGCTTGATTTTCCACTTCAA[G>A]TCGGGCTCTTGCAATAAAAAGTAGATCATTTTCTATCACTTCTATTCCAGAAAGATCTAT-3'
Protein context (NP_006339.4, residues 196-216): NDLLFIARAR[Leu206Phe]EVENQAKRLL